The following is an entry in ClinVar:

ClinVar aggregate classification (germline): Uncertain significance (1 of 4 stars; one submission).

Submission:

GeneDx
Classification: Uncertain significance. Last evaluated: 2024-05-15. Review status: criteria provided, single submitter. Criteria: GeneDx Variant Classification Process June 2021. Collection method: clinical testing. Allele origin: germline. Affected: yes.
Comment: Not observed at significant frequency in large population cohorts (gnomAD); In silico analysis indicates that this missense variant does not alter protein structure/function; Has not been previously published as pathogenic or benign to our knowledge

NM_006914.4(RORB):c.783A>C (p.Gln261His)

Gene: RORB (RAR related orphan receptor B; plus strand). Cytogenetic location: 9q21.13.
Variant type: single nucleotide variant.
Coding change: c.783A>C on transcript NM_006914.4 (MANE Select); coding-DNA position 783, A replaced by C.
Protein change: p.Gln261His; replaces glutamine 261 with histidine.
Molecular consequence: missense variant.
Genome position (GRCh38, 1-based): chr9:74,662,497, A>C. VCF-style: chr9-74662497-A-C. GRCh37 (hg19) VCF-style: chr9-77277413-A-C.
Other names: c.816A>C, p.Gln272His (NM_001365023.1); short protein forms Q261H, Q272H.
Identifiers: ClinVar variation 3381499 (VCV003381499.1).